The following is an entry in ClinVar:

NM_002382.5(MAX):c.478del (p.Ser160fs)

Gene: MAX (MYC associated transcriptional regulator X; minus strand). Cytogenetic location: 14q23.3.
Variant type: Deletion.
Coding change: c.478del on transcript NM_002382.5 (MANE Select); coding-DNA position 478, one base deleted (A; older notation c.478delA).
Protein change: p.Ser160fs; shifts the reading frame from serine 160.
Molecular consequence: frameshift variant. On other transcripts: 3 prime UTR variant (1), intron variant (2).
Genome position (GRCh38, 1-based): chr14:65,076,481, T deleted on the plus strand (A on the coding strand, the reverse complement: MAX is on the minus strand). VCF-style (leftmost placement, unchanged base first): chr14-65076480-CT-C. GRCh37 (hg19) VCF-style: chr14-65543198-CT-C.
Other names: c.289del, p.Ser97fs (NM_001320415.2); c.478delA, p.Ser160Alafs (NM_001407094.1); c.451delA, p.Ser151Alafs (NM_001407095.1); c.*251delA (NM_001407096.1, NM_001407099.1, NM_001407102.1 and 2 more transcripts); c.*267delA (NM_001407097.1, NM_001407100.1, NM_001407101.1 and 3 more transcripts); c.370delA, p.Ser124Alafs (NM_001407098.1); c.289delA, p.Ser97Alafs (NM_001407105.1, NM_001407106.1, NM_001407107.1); c.277delA, p.Ser93Alafs (NM_001407111.1, NM_001407112.1); and 4 more; short protein forms S151fs, S160fs, S97fs.
Identifiers: ClinVar variation 1987900 (VCV001987900.4), dbSNP rs2504172339, ClinGen allele CA2580088562.
Genomic context (GRCh38, chr14:65,076,480, plus strand): 5'-AGGAGGATGAGACGATGGAGACAGACAGTTTTTATTGCTGGCCTGCCCCGAGTGGCTTAG[CT>C]GGCCTCCATCCGGAGCTTCTTCCTGCTTTGGGGCTCTTCAGGCTCAGACTCCGAGCTGGA-3'

ClinVar aggregate classification (germline): Uncertain significance (1 of 4 stars; one submission).

Conditions:
Hereditary pheochromocytoma and paraganglioma. Also called: Hereditary paragangliomas and pheochromocytomas; Hereditary Paraganglioma-Pheochromocytoma Syndromes; Hereditary pheochromocytoma-paraganglioma. Identifiers: Orphanet 29072, MedGen C4274332, MONDO:0017366.

Submission:

Labcorp Genetics (formerly Invitae), Labcorp
Classification: Uncertain significance for Hereditary pheochromocytoma and paraganglioma. Last evaluated: 2022-08-22. Review status: criteria provided, single submitter. Criteria: Invitae Variant Classification Sherloc (09022015). Collection method: clinical testing. Allele origin: germline.
Comment: In summary, the available evidence is currently insufficient to determine the role of this variant in disease. Therefore, it has been classified as a Variant of Uncertain Significance. Experimental studies and prediction algorithms are not available or were not evaluated, and the functional significance of this variant is currently unknown. This variant has not been reported in the literature in individuals affected with MAX-related conditions. This variant is not present in population databases (gnomAD no frequency). This sequence change results in a frameshift in the MAX gene (p.Ser160Alafs*10). While this is not anticipated to result in nonsense mediated decay, it is expected to disrupt the last 1 amino acid(s) of the MAX protein and extend the protein by 8 additional amino acid residues.